The following is an entry in ClinVar:

NM_030665.4(RAI1):c.4922_4924del (p.Ser1641del)

Gene: RAI1 (retinoic acid induced 1; plus strand). Cytogenetic location: 17p11.2.
Variant type: Deletion.
Coding change: c.4922_4924del on transcript NM_030665.4 (MANE Select); coding-DNA positions 4922 to 4924, 3 bases deleted (CCT; older notation c.4922_4924delCCT).
Protein change: p.Ser1641del; deletes serine 1641.
Molecular consequence: inframe deletion.
Genome position (GRCh38, 1-based): chr17:17,797,870-17,797,872, CCT deleted; deleting any 3 consecutive bases within chr17:17,797,868-17,797,872 gives the same sequence; the c. name uses the placement nearest the transcript's 3' end. VCF-style (leftmost placement, unchanged base first): chr17-17797867-TCTC-T. GRCh37 (hg19) VCF-style: chr17-17701181-TCTC-T.
Other names: short protein forms S1641del.
Identifiers: ClinVar variation 2837158 (VCV002837158.3), dbSNP rs2543623207, ClinGen allele CA2739267194.
Genomic context (GRCh38, chr17:17,797,867, plus strand): 5'-CGCCCAAGCCCCACAGGAAGCCTTCCTCCTCTGCCTCCTCTTCCTCATCCTCGTCCTCGT[TCTC>T]CTTGGATGCAGCCGGGGCCTCCCTGGCCACACTCCCTGGAGGCTCCATCCTGCAGCCGCG-3'

ClinVar aggregate classification (germline): Uncertain significance (1 of 4 stars; one submission).

Submission:

Labcorp Genetics (formerly Invitae), Labcorp
Classification: Uncertain significance. Last evaluated: 2025-08-04. Review status: criteria provided, single submitter. Criteria: Invitae Variant Classification Sherloc (09022015). Collection method: clinical testing. Allele origin: germline.
Comment: This variant, c.4922_4924del, results in the deletion of 1 amino acid(s) of the RAI1 protein (p.Ser1641del), but otherwise preserves the integrity of the reading frame. This variant is not present in population databases (gnomAD no frequency). This variant has not been reported in the literature in individuals affected with RAI1-related conditions. ClinVar contains an entry for this variant (Variation ID: 2837158). Experimental studies and prediction algorithms are not available or were not evaluated, and the functional significance of this variant is currently unknown. In summary, the available evidence is currently insufficient to determine the role of this variant in disease. Therefore, it has been classified as a Variant of Uncertain Significance.